The following is an entry in ClinVar:

ClinVar aggregate classification (germline): Benign/Likely benign. Review status: criteria provided, multiple submitters, no conflicts (2 of 4 stars). 14 submissions from 14 submitters: Benign (7); Likely benign (3). 4 of the submissions do not count toward it. Last evaluated 2026-09-01.

Conditions:
Pulmonary arterial hypertension. Identifiers: Orphanet 182090, MedGen C2973725, MeSH D000081029, MONDO:0015924, HP:0002092.
Cerebral arteriopathy, autosomal dominant, with subcortical infarcts and leukoencephalopathy, type 1 (CADASIL1). Also called: CASIL; Cerebral arteriopathy with subcortical infarcts and leukoencephalopathy 1; CADASIL 1; DEMENTIA, HEREDITARY MULTIINFARCT TYPE. Identifiers: Orphanet 136, MedGen C4551768, MONDO:0000914, OMIM 125310.

Allele frequency attached by ClinVar (database versions not stated): 1000 Genomes Project 0.00300; 1000 Genomes Project 30x 0.00312; TOPMed 0.01024; ESP Exome Variant Server 0.01315; gnomAD 0.01566.
gnomAD v4.1: 25,988 of 1,613,984 alleles (1.6%); highest among the groups gnomAD compares: Non-Finnish European, 2%; 263 homozygotes.

Submissions (14):

CeGaT Center for Human Genetics Tuebingen
Classification: Benign. Last evaluated: 2026-09-01. Review status: criteria provided, single submitter. Criteria: CeGaT Center For Human Genetics Tuebingen Variant Classification Criteria Version 2. Collection method: clinical testing. Allele origin: germline. Affected: yes. Observed: 105 variant alleles.
Comment: NOTCH3: BS1, BS2

Labcorp Genetics (formerly Invitae), Labcorp
Classification: Benign. Last evaluated: 2026-02-01. Review status: criteria provided, single submitter. Criteria: Invitae Variant Classification Sherloc (09022015). Collection method: clinical testing. Allele origin: germline.

Athena Diagnostics
Classification: Benign. Last evaluated: 2025-08-29. Review status: criteria provided, single submitter. Criteria: Athena Diagnostics Criteria. Collection method: clinical testing. Allele origin: unknown.
Comment: The frequency of this variant in the general population is higher than would generally be expected for pathogenic variants in this gene. This variant has been seen where an alternate explanation for disease was also identified.

ARUP Laboratories, Molecular Genetics and Genomics, ARUP Laboratories
Classification: Benign. Last evaluated: 2025-07-07. Review status: criteria provided, single submitter. Criteria: ARUP Molecular Germline Variant Investigation Process 2024. Collection method: clinical testing. Allele origin: germline.

Blueprint Genetics
Classification: Likely benign. Last evaluated: 2024-11-28. Review status: criteria provided, single submitter. Criteria: ACMG Guidelines, 2015. Collection method: clinical testing. Allele origin: germline.

GeneDx
Classification: Likely benign. Last evaluated: 2024-09-10. Review status: criteria provided, single submitter. Criteria: GeneDx Variant Classification Process June 2021. Collection method: clinical testing. Allele origin: germline. Affected: yes.
Comment: See Variant Classification Assertion Criteria.

Mayo Clinic Laboratories, Mayo Clinic
Classification: Benign. Last evaluated: 2023-08-09. Review status: criteria provided, single submitter. Criteria: ACMG Guidelines, 2015. Collection method: clinical testing. Allele origin: germline. Observed: 78 variant alleles.
Comment: BS1, BS2

Illumina Laboratory Services, Illumina
Classification: Benign for Cerebral arteriopathy, autosomal dominant, with subcortical infarcts and leukoencephalopathy, type 1. Last evaluated: 2018-01-13. Review status: criteria provided, single submitter. Criteria: ICSL Variant Classification Criteria 13 December 2019. Collection method: clinical testing. Allele origin: germline.
Comment: This variant was observed in the ICSL laboratory as part of a predisposition screen in an ostensibly healthy population. It had not been previously curated by ICSL or reported in the Human Gene Mutation Database (HGMD: prior to June 1st, 2018), and was therefore a candidate for classification through an automated scoring system. Utilizing variant allele frequency, disease prevalence and penetrance estimates, and inheritance mode, an automated score was calculated to assess if this variant is too frequent to cause the disease. Based on the score and internal cut-off values, a variant classified as benign is not then subjected to further curation. The score for this variant resulted in a classification of benign for this disease.

Breakthrough Genomics
Classification: Likely benign. Review status: criteria provided, single submitter. Criteria: ACMG Guidelines, 2015. Collection method: not provided. Allele origin: germline. Inheritance: Autosomal dominant inheritance. Affected: yes.

PreventionGenetics, part of Exact Sciences
Classification: Benign. Review status: criteria provided, single submitter. Criteria: ACMG Guidelines, 2015. Collection method: clinical testing. Allele origin: germline.

John Welsh Cardiovascular Diagnostic Laboratory, Baylor College of Medicine
Classification: Likely benign for Pulmonary arterial hypertension. Last evaluated: 2022-09-26. Review status: no assertion criteria provided. Criteria: ACMG Guidelines, 2015. Collection method: clinical testing. Allele origin: germline. Not counted in ClinVar's aggregate classification.

Clinical Genetics DNA and cytogenetics Diagnostics Lab, Erasmus MC, Erasmus Medical Center
Classification: Benign. Review status: no assertion criteria provided. Collection method: clinical testing. Allele origin: germline. Affected: yes. Study: VKGL Data-share Consensus. Not counted in ClinVar's aggregate classification.

Genome Diagnostics Laboratory, Amsterdam University Medical Center
Classification: Benign. Review status: no assertion criteria provided. Collection method: clinical testing. Allele origin: germline. Affected: yes. Study: VKGL Data-share Consensus. Not counted in ClinVar's aggregate classification.

Laboratory of Diagnostic Genome Analysis, Leiden University Medical Center (LUMC)
Classification: Likely benign. Review status: no assertion criteria provided. Collection method: clinical testing. Allele origin: germline. Affected: yes. Study: VKGL Data-share Consensus. Not counted in ClinVar's aggregate classification.

Literature cited by the submitters: PubMed 22006983 (cited by Athena Diagnostics); PubMed 24086431 (cited by Athena Diagnostics); PubMed 26894465 (cited by Athena Diagnostics); PubMed 22153900 (cited by Athena Diagnostics).

NM_000435.3(NOTCH3):c.3399C>A (p.His1133Gln)

Gene: NOTCH3 (notch receptor 3; minus strand). Cytogenetic location: 19p13.12.
Variant type: single nucleotide variant.
Coding change: c.3399C>A on transcript NM_000435.3 (MANE Select); coding-DNA position 3399, C replaced by A.
Protein change: p.His1133Gln; replaces histidine 1133 with glutamine.
Molecular consequence: missense variant.
Genome position (GRCh38, 1-based): chr19:15,179,425, G>T on the plus strand (C>A on the coding strand, the complement: NOTCH3 is on the minus strand). VCF-style: chr19-15179425-G-T. GRCh37 (hg19) VCF-style: chr19-15290236-G-T.
Other names: short protein forms H1133Q.
Identifiers: ClinVar variation 256132 (VCV000256132.62), dbSNP rs112197217, ClinGen allele CA9263097.
Genomic context (GRCh38, chr19:15,179,425, plus strand): 5'-CAGCGTTCCTGGGGGACAGGAGCAGAGATAGCGGGCCACGAGGTCAATGCATGAACCCCC[G>T]TGCTGGCAGGGCTGGGAGGCACACTCGTCCACGTCGTCCTCACAGTTATCACCATTGTAG-3'
Protein context (NP_000426.2, residues 1123-1143): VDECASQPCQ[His1133Gln]GGSCIDLVAR